The following is an entry in ClinVar:

NM_020366.4(RPGRIP1):c.2389C>T (p.Pro797Ser)

Gene: RPGRIP1 (RPGR interacting protein 1; plus strand). Cytogenetic location: 14q11.2.
Variant type: single nucleotide variant.
Coding change: c.2389C>T on transcript NM_020366.4 (MANE Select); coding-DNA position 2389, C replaced by T.
Protein change: p.Pro797Ser; replaces proline 797 with serine.
Molecular consequence: missense variant. On other transcripts: intron variant (4).
Genome position (GRCh38, 1-based): chr14:21,325,852, C>T. VCF-style: chr14-21325852-C-T. GRCh37 (hg19) VCF-style: chr14-21794011-C-T.
Other names: c.1315C>T, p.Pro439Ser (NM_001377948.1); c.796+1127C>T (NM_001377949.1); c.689-1771C>T (NM_001377523.1, NM_001377950.1); c.191-1771C>T (NM_001377951.1); c.2389C>T (NM_020366.3); short protein forms P439S, P797S.
Identifiers: ClinVar variation 1446834 (VCV001446834.10), dbSNP rs750432423, ClinGen allele CA7089250.

ClinVar aggregate classification (germline): Uncertain significance. Review status: criteria provided, multiple submitters, no conflicts (2 of 4 stars). 2 submissions from 2 submitters: Uncertain significance (2). Last evaluated 2024-02-13.

Conditions:
Inborn genetic diseases. Identifiers: MedGen C0950123, MeSH D030342.
Cone-rod dystrophy 13 (CORD13). Identifiers: Orphanet 1872, MedGen C2750720, MONDO:0011987, OMIM 608194.
Leber congenital amaurosis 6 (LCA6). Identifiers: Orphanet 65, MedGen C1854260, MONDO:0013446, OMIM 613826.

Allele frequency attached by ClinVar (database versions not stated): gnomAD exomes below 0.00001; TOPMed below 0.00001; ExAC 0.00001; gnomAD 0.00001.
gnomAD v4.1: 1 of 1,613,118 alleles (0.000062%); highest among the groups gnomAD compares: East Asian, 0.0022%; no homozygotes.

Submissions (2):

Ambry Genetics
Classification: Uncertain significance for Inborn genetic diseases. Last evaluated: 2024-02-13. Review status: criteria provided, single submitter. Criteria: Ambry Variant Classification Scheme 2023. Collection method: clinical testing. Allele origin: germline.

Labcorp Genetics (formerly Invitae), Labcorp
Classification: Uncertain significance for Leber congenital amaurosis 6; Cone-rod dystrophy 13. Last evaluated: 2022-09-27. Review status: criteria provided, single submitter. Criteria: Invitae Variant Classification Sherloc (09022015). Collection method: clinical testing. Allele origin: germline.
Comment: This variant has not been reported in the literature in individuals affected with RPGRIP1-related conditions. In summary, the available evidence is currently insufficient to determine the role of this variant in disease. Therefore, it has been classified as a Variant of Uncertain Significance. Advanced modeling of protein sequence and biophysical properties (such as structural, functional, and spatial information, amino acid conservation, physicochemical variation, residue mobility, and thermodynamic stability) performed at Invitae indicates that this missense variant is not expected to disrupt RPGRIP1 protein function. ClinVar contains an entry for this variant (Variation ID: 1446834). This variant is not present in population databases (gnomAD no frequency). This sequence change replaces proline, which is neutral and non-polar, with serine, which is neutral and polar, at codon 797 of the RPGRIP1 protein (p.Pro797Ser).